The following is an entry in ClinVar:

NM_001142800.2(EYS):c.146T>C (p.Ile49Thr)

Gene: EYS (EGF-like photoreceptor maintenance factor; minus strand). Cytogenetic location: 6q12.
Variant type: single nucleotide variant.
Coding change: c.146T>C on transcript NM_001142800.2 (MANE Select); coding-DNA position 146, T replaced by C.
Protein change: p.Ile49Thr; replaces isoleucine 49 with threonine.
Molecular consequence: missense variant.
Genome position (GRCh38, 1-based): chr6:65,495,265, A>G on the plus strand (T>C on the coding strand, the complement: EYS is on the minus strand). VCF-style: chr6-65495265-A-G. GRCh37 (hg19) VCF-style: chr6-66205158-A-G.
Other names: c.146T>C, p.Ile49Thr (NM_001142801.2, NM_001292009.2, NM_198283.2); short protein forms I49T.
Identifiers: ClinVar variation 1352718 (VCV001352718.7), dbSNP rs779640516, ClinGen allele CA3878121.

ClinVar aggregate classification (germline): Uncertain significance (1 of 4 stars; one submission).

Allele frequency attached by ClinVar (database versions not stated): gnomAD exomes below 0.00001; ExAC 0.00001.
gnomAD v4.1: 2 of 1,614,108 alleles (0.00012%); highest among the groups gnomAD compares: Non-Finnish European, 0.00017%; no homozygotes.

Submission:

Labcorp Genetics (formerly Invitae), Labcorp
Classification: Uncertain significance. Last evaluated: 2025-01-06. Review status: criteria provided, single submitter. Criteria: Invitae Variant Classification Sherloc (09022015). Collection method: clinical testing. Allele origin: germline.
Comment: This sequence change replaces isoleucine, which is neutral and non-polar, with threonine, which is neutral and polar, at codon 49 of the EYS protein (p.Ile49Thr). This variant is present in population databases (rs779640516, gnomAD 0.0009%). This variant has not been reported in the literature in individuals affected with EYS-related conditions. ClinVar contains an entry for this variant (Variation ID: 1352718). Invitae Evidence Modeling of protein sequence and biophysical properties (such as structural, functional, and spatial information, amino acid conservation, physicochemical variation, residue mobility, and thermodynamic stability) has been performed for this missense variant. However, the output from this modeling did not meet the statistical confidence thresholds required to predict the impact of this variant on EYS protein function. In summary, the available evidence is currently insufficient to determine the role of this variant in disease. Therefore, it has been classified as a Variant of Uncertain Significance.